The following is an entry in ClinVar:

NM_005027.4(PIK3R2):c.2063C>T (p.Ser688Leu)

Gene: PIK3R2 (phosphoinositide-3-kinase regulatory subunit 2; plus strand). Cytogenetic location: 19p13.11.
Variant type: single nucleotide variant.
Coding change: c.2063C>T on transcript NM_005027.4 (MANE Select); coding-DNA position 2063, C replaced by T.
Protein change: p.Ser688Leu; replaces serine 688 with leucine.
Molecular consequence: missense variant. On other transcripts: non-coding transcript variant (2).
Genome position (GRCh38, 1-based): chr19:18,169,170, C>T. VCF-style: chr19-18169170-C-T. GRCh37 (hg19) VCF-style: chr19-18279980-C-T.
Other names: short protein forms S688L.
Identifiers: ClinVar variation 1705289 (VCV001705289.1), dbSNP rs2147960671, ClinGen allele CA404816965.

ClinVar aggregate classification (germline): Uncertain significance (1 of 4 stars; one submission).

Conditions:
Megalencephaly-polymicrogyria-polydactyly-hydrocephalus syndrome 1 (MPPH1). Also called: MEGALENCEPHALY, MEGA CORPUS CALLOSUM, AND COMPLETE LACK OF MOTOR DEVELOPMENT; MEGALENCEPHALY, POLYMICROGYRIA, MEGA CORPUS CALLOSUM SYNDROME. Identifiers: Orphanet 83473, MedGen C4012727, MONDO:0011313, OMIM 603387.

Submission:

3billion
Classification: Uncertain significance for Megalencephaly-polymicrogyria-polydactyly-hydrocephalus syndrome 1. Last evaluated: 2022-09-01. Review status: criteria provided, single submitter. Criteria: ACMG Guidelines, 2015. Collection method: clinical testing. Allele origin: germline. Affected: yes. Observed: 1 heterozygote.
Comment: The variant is not observed in the gnomAD v2.1.1 dataset. It is located in a mutational hot spot and/or well-established functional domain in which established pathogenic variants have been reported (PMID: 26860062). In silico tool predictions suggest damaging effect of the variant on gene or gene product (REVEL: 0.88; 3Cnet: 0.97). Therefore, this variant is classified as uncertain significance according to the recommendation of ACMG/AMP guideline.

Literature cited by the submitters: PubMed 26860062.